The following is an entry in ClinVar:

NM_019066.5(MAGEL2):c.2600C>G (p.Thr867Ser)

Gene: MAGEL2 (MAGE family member L2; minus strand). Cytogenetic location: 15q11.2.
Variant type: single nucleotide variant.
Coding change: c.2600C>G on transcript NM_019066.5 (MANE Select); coding-DNA position 2600, C replaced by G.
Protein change: p.Thr867Ser; replaces threonine 867 with serine.
Molecular consequence: missense variant.
Genome position (GRCh38, 1-based): chr15:23,645,143, G>C on the plus strand (C>G on the coding strand, the complement: MAGEL2 is on the minus strand). VCF-style: chr15-23645143-G-C. GRCh37 (hg19) VCF-style: chr15-23890290-G-C.
Other names: short protein forms T867S.
Identifiers: ClinVar variation 3383513 (VCV003383513.1).

ClinVar aggregate classification (germline): Uncertain significance (1 of 4 stars; one submission).

gnomAD v4.1: 1 of 1,613,752 alleles (0.000062%); highest among the groups gnomAD compares: Non-Finnish European, 0.000085%; no homozygotes.

Submission:

GeneDx
Classification: Uncertain significance. Last evaluated: 2024-05-29. Review status: criteria provided, single submitter. Criteria: GeneDx Variant Classification Process June 2021. Collection method: clinical testing. Allele origin: germline. Affected: yes.
Comment: Not observed at significant frequency in large population cohorts (gnomAD); In silico analysis indicates that this missense variant does not alter protein structure/function; Has not been previously published as pathogenic or benign to our knowledge